The following is an entry in ClinVar:

NC_000009.11:g.(?_332378)_(464219_?)dup

Gene: DOCK8 (dedicator of cytokinesis 8; plus strand). Cytogenetic location: 9p24.3.
Variant type: Duplication.
Identifiers: ClinVar variation 3245216 (VCV003245216.1).

ClinVar aggregate classification (germline): Uncertain significance (1 of 4 stars; one submission).

Submission:

Labcorp Genetics (formerly Invitae), Labcorp
Classification: Uncertain significance. Last evaluated: 2023-07-26. Review status: criteria provided, single submitter. Criteria: Invitae Variant Classification Sherloc (09022015). Collection method: clinical testing. Allele origin: unknown.
Comment: In summary, the available evidence is currently insufficient to determine the role of this variant in disease. Therefore, it has been classified as a Variant of Uncertain Significance. This variant has not been reported in the literature in individuals affected with DOCK8-related conditions. This variant results in a copy number gain of the genomic region encompassing exon(s) 10-48 of the DOCK8 gene. This region includes the termination codon of the gene. This copy number gain extends beyond the assayed region for this gene and therefore may encompass additional genes. As the precise location of this event is unknown, it may be in tandem or it may be located elsewhere in the genome.